The following is an entry in ClinVar:

NC_000012.11:g.(?_102813267)_(102874159_?)del

Gene: IGF1 (insulin like growth factor 1; minus strand). Cytogenetic location: 12q23.2.
Variant type: Deletion.
Identifiers: ClinVar variation 1455141 (VCV001455141.4).

ClinVar aggregate classification (germline): Pathogenic (1 of 4 stars; one submission).

Submission:

Labcorp Genetics (formerly Invitae), Labcorp
Classification: Pathogenic. Last evaluated: 2021-06-18. Review status: criteria provided, single submitter. Criteria: Invitae Variant Classification Sherloc (09022015). Collection method: clinical testing. Allele origin: germline.
Comment: For these reasons, this variant has been classified as Pathogenic. This variant has not been reported in the literature in individuals with IGF1-related conditions. This variant is a gross deletion of the genomic region encompassing exon(s) 1-3 of the IGF1 gene, which includes the initiator codon. The 5' end of this event is unknown as it extends beyond the assayed region for this gene and therefore may encompass additional genes. The 3' boundary is likely confined to intron 3 of the IGF1 gene. It is expected to result in an absent or disrupted protein product. Loss-of-function variants in IGF1 are known to be pathogenic (PMID: 8857020, 31230720).

Literature cited by the submitters: PubMed 8857020; PubMed 31230720.